The following is an entry in ClinVar:

NM_021160.3(ABHD16A):c.452T>C (p.Phe151Ser)

Gene: ABHD16A (abhydrolase domain containing 16A, phospholipase; minus strand). Cytogenetic location: 6p21.33.
Variant type: single nucleotide variant.
Coding change: c.452T>C on transcript NM_021160.3 (MANE Select); coding-DNA position 452, T replaced by C.
Protein change: p.Phe151Ser; replaces phenylalanine 151 with serine.
Molecular consequence: missense variant. On other transcripts: non-coding transcript variant (2).
Genome position (GRCh38, 1-based): chr6:31,693,410, A>G on the plus strand (T>C on the coding strand, the complement: ABHD16A is on the minus strand). VCF-style: chr6-31693410-A-G. GRCh37 (hg19) VCF-style: chr6-31661187-A-G.
Other names: c.353T>C, p.Phe118Ser (NM_001177515.2); short protein forms F118S, F151S.
Identifiers: ClinVar variation 3774974 (VCV003774974.1).

ClinVar aggregate classification (germline): Uncertain significance (1 of 4 stars; one submission).

Submission:

GeneDx
Classification: Uncertain significance. Last evaluated: 2024-09-30. Review status: criteria provided, single submitter. Criteria: GeneDx Variant Classification Process June 2021. Collection method: clinical testing. Allele origin: germline. Affected: yes.
Comment: Not observed at significant frequency in large population cohorts (gnomAD); In silico analysis supports that this missense variant has a deleterious effect on protein structure/function; Has not been previously published as pathogenic or benign to our knowledge